The following is an entry in ClinVar:

NM_001100.4(ACTA1):c.583C>G (p.Leu195Val)

Gene: ACTA1 (actin alpha 1, skeletal muscle; minus strand). Cytogenetic location: 1q42.13.
Variant type: single nucleotide variant.
Coding change: c.583C>G on transcript NM_001100.4 (MANE Select); coding-DNA position 583, C replaced by G.
Protein change: p.Leu195Val; replaces leucine 195 with valine.
Molecular consequence: missense variant.
Genome position (GRCh38, 1-based): chr1:229,432,303, G>C on the plus strand (C>G on the coding strand, the complement: ACTA1 is on the minus strand). VCF-style: chr1-229432303-G-C. GRCh37 (hg19) VCF-style: chr1-229568050-G-C.
Other names: short protein forms L195V.
Identifiers: ClinVar variation 1676539 (VCV001676539.3), dbSNP rs2102735872, ClinGen allele CA345148056.

ClinVar aggregate classification (germline): Uncertain significance (1 of 4 stars; one submission).

Submission:

Greenwood Genetic Center Diagnostic Laboratories, Greenwood Genetic Center
Classification: Uncertain significance. Last evaluated: 2022-01-20. Review status: criteria provided, single submitter. Criteria: ACMG Guidelines, 2015. Collection method: clinical testing. Allele origin: germline. Affected: yes.
Comment: PP2, PP3, PM2